The following is an entry in ClinVar:

ClinVar aggregate classification (germline): Uncertain significance (1 of 4 stars; one submission).

Submission:

GeneDx
Classification: Uncertain significance. Last evaluated: 2024-07-10. Review status: criteria provided, single submitter. Criteria: GeneDx Variant Classification Process June 2021. Collection method: clinical testing. Allele origin: germline. Affected: yes.
Comment: Not observed at significant frequency in large population cohorts (gnomAD); In silico analysis indicates that this variant does not alter splicing; Has not been previously published as pathogenic or benign to our knowledge

NM_006180.6(NTRK2):c.1397-50501T>G

Gene: NTRK2 (neurotrophic receptor tyrosine kinase 2; plus strand). Cytogenetic location: 9q21.33.
Variant type: single nucleotide variant.
Coding change: c.1397-50501T>G on transcript NM_006180.6 (MANE Select); 50501 bases into the intron before coding-DNA position 1397, T replaced by G.
Molecular consequence: intron variant.
Genome position (GRCh38, 1-based): chr9:84,810,539, T>G. VCF-style: chr9-84810539-T-G. GRCh37 (hg19) VCF-style: chr9-87425454-T-G.
Other names: c.1397-56704T>G (NM_001369532.1, NM_001369533.1, NM_001018066.3 and 2 more transcripts); c.1397-50501T>G (NM_001369537.1, NM_001018065.2); c.1397-3T>G (NM_001369544.1, NM_001369542.1, NM_001007097.3 and 7 more transcripts); c.1358-3T>G (NM_001291937.2, NM_001369546.1); c.*34-3T>G (NM_001369547.1); c.1361-56704T>G (NM_001369534.1); c.929-50501T>G (NM_001369536.1); c.929-56704T>G (NM_001369535.1); and 1 more.
Identifiers: ClinVar variation 3572789 (VCV003572789.1).